The following is an entry in ClinVar:

NM_004006.3(DMD):c.3184A>T (p.Lys1062Ter)

Gene: DMD (dystrophin; minus strand). Cytogenetic location: Xp21.1.
Variant type: single nucleotide variant.
Coding change: c.3184A>T on transcript NM_004006.3 (MANE Select); coding-DNA position 3184, A replaced by T.
Protein change: p.Lys1062Ter; replaces lysine 1062 with a stop codon.
Molecular consequence: nonsense.
Genome position (GRCh38, 1-based): chrX:32,464,678, T>A on the plus strand (A>T on the coding strand, the complement: DMD is on the minus strand). VCF-style: chrX-32464678-T-A. GRCh37 (hg19) VCF-style: chrX-32482795-T-A.
Other names: c.3160A>T, p.Lys1054Ter (NM_000109.4); c.3172A>T, p.Lys1058Ter (NM_004009.3); c.2815A>T, p.Lys939Ter (NM_004010.3); short protein forms K1054*, K1058*, K1062*, K939*.
Identifiers: ClinVar variation 1724259 (VCV001724259.8), dbSNP rs2524538544, ClinGen allele CA412665120.

ClinVar aggregate classification (germline): Pathogenic/Likely pathogenic. Review status: criteria provided, multiple submitters, no conflicts (2 of 4 stars). 2 submissions from 2 submitters: Pathogenic (1); Likely pathogenic (1). Last evaluated 2022-04-29.

Conditions:
Duchenne muscular dystrophy (DMD). Also called: MUSCULAR DYSTROPHY, PSEUDOHYPERTROPHIC PROGRESSIVE, DUCHENNE TYPE; Duchenne Muscular Dystrophy (DMD). Identifiers: Orphanet 98896, MedGen C0013264, MONDO:0010679, OMIM 310200.
Progressive muscular dystrophy. Identifiers: Orphanet 206644, MedGen C4551827, MONDO:0016106.

Submissions (2):

Labcorp Genetics (formerly Invitae), Labcorp
Classification: Pathogenic for Duchenne muscular dystrophy. Last evaluated: 2022-04-29. Review status: criteria provided, single submitter. Criteria: Invitae Variant Classification Sherloc (09022015). Collection method: clinical testing. Allele origin: germline.
Comment: For these reasons, this variant has been classified as Pathogenic. This variant has not been reported in the literature in individuals affected with DMD-related conditions. This variant is not present in population databases (gnomAD no frequency). This sequence change creates a premature translational stop signal (p.Lys1062*) in the DMD gene. It is expected to result in an absent or disrupted protein product. Loss-of-function variants in DMD are known to be pathogenic (PMID: 16770791, 25007885).

Myriad Genetics, Inc.
Classification: Likely pathogenic for Progressive muscular dystrophy. Last evaluated: 2022-02-02. Review status: criteria provided, single submitter. Criteria: Myriad Autosomal Dominant, Autosomal Recessive and X-Linked Classification Criteria (2023). Collection method: clinical testing. Allele origin: unknown.
Comment: NM_004006.2(DMD):c.3184A>T(K1062*) is expected to be pathogenic in the context of dystrophinopathy (including Duchenne/Becker muscular dystrophy). This variant is predicted to lead to an abnormal or absent protein product due to the creation of a premature termination codon in DMD, a gene where loss-of-function variants are known to be pathogenic. Please note: this variant was assessed in the context of healthy population screening.

Literature cited by the submitters: PubMed 16770791 (cited by Labcorp Genetics (formerly Invitae), Labcorp); PubMed 25007885 (cited by Labcorp Genetics (formerly Invitae), Labcorp).